The following is an entry in ClinVar:

ClinVar aggregate classification (germline): Uncertain significance (1 of 4 stars; one submission).

Submission:

Ambry Genetics
Classification: Uncertain significance. Last evaluated: 2021-09-19. Review status: criteria provided, single submitter. Criteria: Ambry Variant Classification Scheme 2023. Collection method: clinical testing. Allele origin: germline.
Comment: The p.T149S variant (also known as c.445A>T), located in coding exon 6 of the NPAT gene, results from an A to T substitution at nucleotide position 445. The threonine at codon 149 is replaced by serine, an amino acid with similar properties. This amino acid position is conserved. In addition, this alteration is predicted to be tolerated by in silico analysis. Since supporting evidence is limited at this time, the clinical significance of this alteration remains unclear.

NM_002519.3(NPAT):c.445A>T (p.Thr149Ser)

Gene: NPAT (nuclear protein, coactivator of histone transcription; minus strand). Cytogenetic location: 11q22.3.
Variant type: single nucleotide variant.
Coding change: c.445A>T on transcript NM_002519.3 (MANE Select); coding-DNA position 445, A replaced by T.
Protein change: p.Thr149Ser; replaces threonine 149 with serine.
Molecular consequence: missense variant.
Genome position (GRCh38, 1-based): chr11:108,189,217, T>A on the plus strand (A>T on the coding strand, the complement: NPAT is on the minus strand). VCF-style: chr11-108189217-T-A. GRCh37 (hg19) VCF-style: chr11-108059944-T-A.
Other names: c.445A>T, p.Thr149Ser (NM_001321307.1); short protein forms T149S.
Identifiers: ClinVar variation 1740757 (VCV001740757.2), dbSNP rs574860522, ClinGen allele CA382524716.